The following is an entry in ClinVar:

NM_001355436.2(SPTB):c.2431_2450dup (p.Asp818fs)

Gene: SPTB (spectrin beta, erythrocytic; minus strand). Cytogenetic location: 14q23.3.
Variant type: Duplication.
Coding change: c.2431_2450dup on transcript NM_001355436.2 (MANE Select); coding-DNA positions 2431 to 2450, 20 bases duplicated (GAAGAGTTTCGGGATTCCCC).
Protein change: p.Asp818fs; shifts the reading frame from aspartic acid 818.
Molecular consequence: frameshift variant.
Genome position (GRCh38, 1-based): chr14:64,793,213-64,793,232, GGGGAATCCCGAAACTCTTC duplicated on the plus strand (GAAGAGTTTCGGGATTCCCC on the coding strand, the reverse complement: SPTB is on the minus strand); duplicating any 20 consecutive bases within chr14:64,793,213-64,793,242 gives the same sequence; the c. name uses the placement nearest the transcript's 3' end. VCF-style (leftmost placement, unchanged base first): chr14-64793212-T-TGGGGAATCCCGAAACTCTTC. GRCh37 (hg19) VCF-style: chr14-65259930-T-TGGGGAATCCCGAAACTCTTC.
Other names: c.2431_2450dup, p.Asp818fs (NM_001024858.4, NM_001355437.2); short protein forms D818fs.
Identifiers: ClinVar variation 3573014 (VCV003573014.2).

ClinVar aggregate classification (germline): Likely pathogenic (1 of 4 stars; one submission).

Conditions:
Spherocytosis. Identifiers: MedGen C0553720, HP:0004444.

Submission:

MVZ Dr. Eberhard & Partner Dortmund
Classification: Likely pathogenic for Spherocytosis. Last evaluated: 2024-12-24. Review status: criteria provided, single submitter. Criteria: ACMG Guidelines, 2015. Collection method: clinical testing. Allele origin: unknown. Observed: 1 heterozygote.
Comment: The variant c.2431_2450dup for p.(Asp818Lysfs*9) in SPTB has not been described in the literature so far, nor is it found in control groups of different ethnicities. Since it probably leads to a shift in the reading frame and thus to a premature stop codon, we currently assume that the variant is likely pathogenic.